The following is an entry in ClinVar:

ClinVar aggregate classification (germline): Uncertain significance (1 of 4 stars; one submission).

Conditions:
Intellectual developmental disorder, X-linked, syndromic 14. Also called: Syndromic X-linked intellectual disability 14. Identifiers: Orphanet 776, MedGen C1970822, MONDO:0010398, OMIM 300676.

gnomAD v4.1: 2 of 1,204,009 alleles (0.00017%); highest among the groups gnomAD compares: African/African-American, 0.0035%; no homozygotes.

Submission:

Labcorp Genetics (formerly Invitae), Labcorp
Classification: Uncertain significance for Intellectual developmental disorder, X-linked, syndromic 14. Last evaluated: 2025-08-04. Review status: criteria provided, single submitter. Criteria: Invitae Variant Classification Sherloc (09022015). Collection method: clinical testing. Allele origin: germline.
Comment: This sequence change replaces proline, which is neutral and non-polar, with leucine, which is neutral and non-polar, at codon 128 of the UPF3B protein (p.Pro128Leu). This variant is present in population databases (no rsID available, gnomAD 0.02%). This variant has not been reported in the literature in individuals affected with UPF3B-related conditions. Invitae Evidence Modeling of protein sequence and biophysical properties (such as structural, functional, and spatial information, amino acid conservation, physicochemical variation, residue mobility, and thermodynamic stability) indicates that this missense variant is expected to disrupt UPF3B protein function with a positive predictive value of 80%. In summary, the available evidence is currently insufficient to determine the role of this variant in disease. Therefore, it has been classified as a Variant of Uncertain Significance.

NM_080632.3(UPF3B):c.383C>T (p.Pro128Leu)

Gene: UPF3B (UPF3B regulator of nonsense mediated mRNA decay; minus strand). Cytogenetic location: Xq24.
Variant type: single nucleotide variant.
Coding change: c.383C>T on transcript NM_080632.3 (MANE Select); coding-DNA position 383, C replaced by T.
Protein change: p.Pro128Leu; replaces proline 128 with leucine.
Molecular consequence: missense variant.
Genome position (GRCh38, 1-based): chrX:119,845,284, G>A on the plus strand (C>T on the coding strand, the complement: UPF3B is on the minus strand). VCF-style: chrX-119845284-G-A. GRCh37 (hg19) VCF-style: chrX-118979247-G-A.
Other names: c.383C>T, p.Pro128Leu (NM_023010.4); short protein forms P128L.
Identifiers: ClinVar variation 4743624 (VCV004743624.1).